The following is an entry in ClinVar:

ClinVar aggregate classification (germline): Uncertain significance (1 of 4 stars; one submission).

gnomAD v4.1: 2 of 1,614,108 alleles (0.00012%); no homozygotes.

Submission:

Labcorp Genetics (formerly Invitae), Labcorp
Classification: Uncertain significance. Last evaluated: 2022-08-23. Review status: criteria provided, single submitter. Criteria: Invitae Variant Classification Sherloc (09022015). Collection method: clinical testing. Allele origin: germline.
Comment: This sequence change replaces glutamine, which is neutral and polar, with arginine, which is basic and polar, at codon 179 of the TTC37 protein (p.Gln179Arg). This variant is not present in population databases (gnomAD no frequency). This variant has not been reported in the literature in individuals affected with TTC37-related conditions. ClinVar contains an entry for this variant (Variation ID: 1492195). Algorithms developed to predict the effect of missense changes on protein structure and function (SIFT, PolyPhen-2, Align-GVGD) all suggest that this variant is likely to be tolerated. In summary, the available evidence is currently insufficient to determine the role of this variant in disease. Therefore, it has been classified as a Variant of Uncertain Significance.

NM_014639.4(SKIC3):c.536A>G (p.Gln179Arg)

Gene: SKIC3 (SKI3 subunit of superkiller complex; minus strand). Cytogenetic location: 5q15.
Variant type: single nucleotide variant.
Coding change: c.536A>G on transcript NM_014639.4 (MANE Select); coding-DNA position 536, A replaced by G.
Protein change: p.Gln179Arg; replaces glutamine 179 with arginine.
Molecular consequence: missense variant.
Genome position (GRCh38, 1-based): chr5:95,540,697, T>C on the plus strand (A>G on the coding strand, the complement: SKIC3 is on the minus strand). VCF-style: chr5-95540697-T-C. GRCh37 (hg19) VCF-style: chr5-94876401-T-C.
Other names: short protein forms Q179R.
Identifiers: ClinVar variation 1492195 (VCV001492195.3), dbSNP rs537176194, ClinGen allele CA122833542.